The following is an entry in ClinVar:

NM_020533.3(MCOLN1):c.1576-7_1576-6delinsAT

Gene: MCOLN1 (mucolipin TRP cation channel 1; plus strand). Cytogenetic location: 19p13.2.
Variant type: Indel.
Coding change: c.1576-7_1576-6delinsAT on transcript NM_020533.3 (MANE Select); 7 bases into the intron before coding-DNA position 1576 through 6 bases into the intron before coding-DNA position 1576, TC replaced by AT.
Molecular consequence: intron variant.
Genome position (GRCh38, 1-based): chr19:7,533,516-7,533,517, TC replaced by AT. VCF-style: chr19-7533516-TC-AT. GRCh37 (hg19) VCF-style: chr19-7598402-TC-AT.
Identifiers: ClinVar variation 1485527 (VCV001485527.6), dbSNP rs2146029875, ClinGen allele CA2573155884.

ClinVar aggregate classification (germline): Uncertain significance (1 of 4 stars; one submission).

Conditions:
Mucolipidosis type IV (ML4). Also called: ML IV. Identifiers: Orphanet 578, MedGen C0238286, MONDO:0009653, OMIM 252650.

Submission:

Labcorp Genetics (formerly Invitae), Labcorp
Classification: Uncertain significance for Mucolipidosis type IV. Last evaluated: 2021-10-14. Review status: criteria provided, single submitter. Criteria: Invitae Variant Classification Sherloc (09022015). Collection method: clinical testing. Allele origin: germline.
Comment: This sequence change falls in intron 12 of the MCOLN1 gene. It does not directly change the encoded amino acid sequence of the MCOLN1 protein. The frequency data for this variant in the population databases is not available, as this variant may be reported as separate entries in the ExAC database. This variant has not been reported in the literature in individuals affected with MCOLN1-related conditions. Algorithms developed to predict the effect of sequence changes on RNA splicing suggest that this variant may disrupt the consensus splice site. In summary, the available evidence is currently insufficient to determine the role of this variant in disease. Therefore, it has been classified as a Variant of Uncertain Significance.